The following is an entry in ClinVar:

NM_024757.5(EHMT1):c.3101G>T (p.Cys1034Phe)

Gene: EHMT1 (euchromatic histone lysine methyltransferase 1; plus strand). Cytogenetic location: 9q34.3.
Variant type: single nucleotide variant.
Coding change: c.3101G>T on transcript NM_024757.5 (MANE Select); coding-DNA position 3101, G replaced by T.
Protein change: p.Cys1034Phe; replaces cysteine 1034 with phenylalanine.
Molecular consequence: missense variant.
Genome position (GRCh38, 1-based): chr9:137,813,451, G>T. VCF-style: chr9-137813451-G-T. GRCh37 (hg19) VCF-style: chr9-140707903-G-T.
Other names: c.3080G>T, p.Cys1027Phe (NM_001354263.2); short protein forms C1034F, C1027F.
Identifiers: ClinVar variation 2764258 (VCV002764258.3), dbSNP rs2538661900, ClinGen allele CA375794097.

ClinVar aggregate classification (germline): Uncertain significance (1 of 4 stars; one submission).

Conditions:
Kleefstra syndrome 1 (KLEFS1). Identifiers: Orphanet 261494, MedGen C0795833, MONDO:0027407, OMIM 610253.

Submission:

Labcorp Genetics (formerly Invitae), Labcorp
Classification: Uncertain significance for Kleefstra syndrome 1. Last evaluated: 2023-09-29. Review status: criteria provided, single submitter. Criteria: Invitae Variant Classification Sherloc (09022015). Collection method: clinical testing. Allele origin: germline.
Comment: Advanced modeling of protein sequence and biophysical properties (such as structural, functional, and spatial information, amino acid conservation, physicochemical variation, residue mobility, and thermodynamic stability) performed at Invitae indicates that this missense variant is not expected to disrupt EHMT1 protein function. In summary, the available evidence is currently insufficient to determine the role of this variant in disease. Therefore, it has been classified as a Variant of Uncertain Significance. This sequence change replaces cysteine, which is neutral and slightly polar, with phenylalanine, which is neutral and non-polar, at codon 1034 of the EHMT1 protein (p.Cys1034Phe). This variant is not present in population databases (gnomAD no frequency). This variant has not been reported in the literature in individuals affected with EHMT1-related conditions.